The following is an entry in ClinVar:

ClinVar aggregate classification (germline): Benign. Review status: criteria provided, multiple submitters, no conflicts (2 of 4 stars). 2 submissions from 2 submitters: Benign (2). Last evaluated 2018-01-13.

Conditions:
Keratosis follicularis (DAR). Also called: Darier disease; Darier's disease. Identifiers: Orphanet 218, MedGen C0022595, MONDO:0007417, OMIM 124200.

Allele frequency attached by ClinVar (database versions not stated): 1000 Genomes Project 0.00359; 1000 Genomes Project 30x 0.00375; TOPMed 0.00601; gnomAD 0.00696 and 0.00700; gnomAD exomes 0.00863.

Submissions (2):

Illumina Laboratory Services, Illumina
Classification: Benign for Keratosis follicularis. Last evaluated: 2018-01-13. Review status: criteria provided, single submitter. Criteria: ICSL Variant Classification Criteria 13 December 2019. Collection method: clinical testing. Allele origin: germline.
Comment: This variant was observed in the ICSL laboratory as part of a predisposition screen in an ostensibly healthy population. It had not been previously curated by ICSL or reported in the Human Gene Mutation Database (HGMD: prior to June 1st, 2018), and was therefore a candidate for classification through an automated scoring system. Utilizing variant allele frequency, disease prevalence and penetrance estimates, and inheritance mode, an automated score was calculated to assess if this variant is too frequent to cause the disease. Based on the score and internal cut-off values, a variant classified as benign is not then subjected to further curation. The score for this variant resulted in a classification of benign for this disease.

Breakthrough Genomics
Classification: Benign. Review status: criteria provided, single submitter. Criteria: ACMG Guidelines, 2015. Collection method: not provided. Allele origin: germline. Inheritance: Autosomal dominant inheritance. Affected: yes.

NM_170665.4(ATP2A2):c.*4047A>G

Gene: ATP2A2 (ATPase sarcoplasmic/endoplasmic reticulum Ca2+ transporting 2; plus strand). Cytogenetic location: 12q24.11.
Variant type: single nucleotide variant.
Coding change: c.*4047A>G on transcript NM_170665.4 (MANE Select); 4047 bases downstream of the stop codon, A replaced by G.
Molecular consequence: 3 prime UTR variant.
Genome position (GRCh38, 1-based): chr12:110,350,517, A>G. VCF-style: chr12-110350517-A-G. GRCh37 (hg19) VCF-style: chr12-110788322-A-G.
Other names: c.*212A>G (NM_001681.4).
Identifiers: ClinVar variation 307193 (VCV000307193.6), dbSNP rs75547854, ClinGen allele CA10640180.